The following is an entry in ClinVar:

ClinVar aggregate classification (germline): Pathogenic (1 of 4 stars; one submission).

Conditions:
Hereditary factor VIII deficiency disease (HEMA). Also called: HEMOPHILIA, CLASSIC; AUTOSOMAL HEMOPHILIA A; Hemophilia A; Hemophilia A, congenital; HEM A; Factor 8 deficiency, congenital. Identifiers: Orphanet 98878, MedGen C0019069, MONDO:0010602, OMIM 306700.

Submission:

ARUP Laboratories, Molecular Genetics and Genomics, ARUP Laboratories
Classification: Pathogenic for Hereditary factor VIII deficiency disease. Last evaluated: 2021-04-06. Review status: criteria provided, single submitter. Criteria: ARUP Molecular Germline Variant Investigation Process 2021. Collection method: clinical testing. Allele origin: germline.
Comment: The F8 c.5501dupA; p.Tyr1834Ter variant, also known as p.Tyr1815Ter, is reported in the literature in multiple individuals affected with severe hemophilia A (Factor VIII database, Sanna 2008, Santacroce 2008). This variant is absent from the Genome Aggregation Database, indicating it is not a common polymorphism. This variant induces an early termination codon and is predicted to result in a truncated protein or mRNA subject to nonsense-mediated decay. Based on available information, this variant is considered to be pathogenic. References: Factor VIII database: Sanna V et al. Mutational spectrum of F8 gene and prothrombotic gene variants in haemophilia A patients from Southern Italy. Haemophilia. 2008 Jul;14(4):796-803. PMID: 18459951. Santacroce R et al. Identification of 217 unreported mutations in the F8 gene in a group of 1,410 unselected Italian patients with hemophilia A. J Hum Genet. 2008;53(3):275-284. PMID: 18217193.

NM_000132.4(F8):c.5501dup (p.Tyr1834Ter)

Gene: F8 (coagulation factor VIII; minus strand). Cytogenetic location: Xq28.
Variant type: Duplication.
Coding change: c.5501dup on transcript NM_000132.4 (MANE Select); coding-DNA position 5501, one base duplicated (A; older notation c.5501dupA).
Protein change: p.Tyr1834Ter; replaces tyrosine 1834 with a stop codon.
Molecular consequence: nonsense.
Genome position (GRCh38, 1-based): chrX:154,904,896, T duplicated on the plus strand (A on the coding strand, the reverse complement: F8 is on the minus strand). VCF-style (leftmost placement, unchanged base first): chrX-154904895-G-GT. GRCh37 (hg19) VCF-style: chrX-154133170-G-GT.
Other names: short protein forms Y1834*.
Identifiers: ClinVar variation 1330781 (VCV001330781.7), dbSNP rs2123997870, ClinGen allele CA2573055178.